The following is an entry in ClinVar:

NM_203447.4(DOCK8):c.827+67G>A

Gene: DOCK8 (dedicator of cytokinesis 8; plus strand). Cytogenetic location: 9p24.3.
Variant type: single nucleotide variant.
Coding change: c.827+67G>A on transcript NM_203447.4 (MANE Select); 67 bases into the intron after coding-DNA position 827, G replaced by A.
Molecular consequence: intron variant.
Genome position (GRCh38, 1-based): chr9:317,195, G>A. VCF-style: chr9-317195-G-A. GRCh37 (hg19) VCF-style: chr9-317195-G-A.
Other names: c.623+67G>A (NM_001193536.2, NM_001190458.2).
Identifiers: ClinVar variation 1291526 (VCV001291526.5), dbSNP rs10813355, ClinGen allele CA13080045.

ClinVar aggregate classification (germline): Benign. Review status: criteria provided, multiple submitters, no conflicts (2 of 4 stars). 3 submissions from 3 submitters: Benign (3). Last evaluated 2023-11-12.

Allele frequency attached by ClinVar (database versions not stated): 1000 Genomes Project 0.46066; 1000 Genomes Project 30x 0.46939; gnomAD 0.53755 and 0.55088; TOPMed 0.55312.
gnomAD v4.1: 620,934 of 1,252,976 alleles (50%); highest among the groups gnomAD compares: African/African-American, 69%; 159,909 homozygotes.

Submissions (3):

Unidad de Genómica Garrahan, Hospital de Pediatría Garrahan
Classification: Benign. Last evaluated: 2023-11-12. Review status: criteria provided, single submitter. Criteria: ACMG Guidelines, 2015. Collection method: clinical testing. Allele origin: germline. Affected: no. Observed: 70 variant alleles.
Comment: This variant is classified as Benign based on local population frequency. This variant was detected in 73% of patients studied by a panel of primary immunodeficiencies. Number of patients: 70. Only high quality variants are reported.

GeneDx
Classification: Benign. Last evaluated: 2018-06-26. Review status: criteria provided, single submitter. Criteria: GeneDx Variant Classification Process June 2021. Collection method: clinical testing. Allele origin: germline. Affected: yes.

Breakthrough Genomics
Classification: Benign. Review status: criteria provided, single submitter. Criteria: ACMG Guidelines, 2015. Collection method: not provided. Allele origin: germline. Inheritance: Autosomal recessive inheritance. Affected: yes.